The following is an entry in ClinVar:

NM_001184880.2(PCDH19):c.768dup (p.Val257fs)

Gene: PCDH19 (protocadherin 19; minus strand). Cytogenetic location: Xq22.1.
Variant type: Duplication.
Coding change: c.768dup on transcript NM_001184880.2 (MANE Select); coding-DNA position 768, one base duplicated (C; older notation c.768dupC).
Protein change: p.Val257fs; shifts the reading frame from valine 257.
Molecular consequence: frameshift variant.
Genome position (GRCh38, 1-based): chrX:100,407,830, G duplicated on the plus strand (C on the coding strand, the reverse complement: PCDH19 is on the minus strand); the first of 3 consecutive G bases (chrX:100,407,830-100,407,832); duplicating any one gives the same sequence. VCF-style (leftmost placement, unchanged base first): chrX-100407829-C-CG. GRCh37 (hg19) VCF-style: chrX-99662827-C-CG.
Other names: c.768dup, p.Val257fs (NM_001105243.2, NM_020766.3); c.768dupC (NM_001184880.1); short protein forms V257fs.
Identifiers: ClinVar variation 589045 (VCV000589045.5), dbSNP rs1569315508, ClinGen allele CA891843596.

ClinVar aggregate classification (germline): Pathogenic (1 of 4 stars; one submission).

Conditions:
Inborn genetic diseases. Identifiers: MedGen C0950123, MeSH D030342.

Submission:

Ambry Genetics
Classification: Pathogenic for Inborn genetic diseases. Last evaluated: 2017-05-11. Review status: criteria provided, single submitter. Criteria: Ambry Variant Classification Scheme 2023. Collection method: clinical testing. Allele origin: germline.
Comment: The c.768dupC pathogenic mutation, located in coding exon 1 of the PCDH19 gene, results from a duplication of C at nucleotide position 768, causing a translational frameshift with a predicted alternate stop codon (p.V257Rfs*63). This alteration is expected to result in loss of function by premature protein truncation or nonsense-mediated mRNA decay. As such, this alteration is interpreted as a disease-causing mutation.